The following is an entry in ClinVar:

NM_006939.4(SOS2):c.762T>A (p.Thr254=)

Gene: SOS2 (SOS Ras/Rho guanine nucleotide exchange factor 2; minus strand). Cytogenetic location: 14q21.3.
Variant type: single nucleotide variant.
Coding change: c.762T>A on transcript NM_006939.4 (MANE Select); coding-DNA position 762, T replaced by A.
Protein change: p.Thr254=; no amino-acid change (threonine 254 retained).
Molecular consequence: synonymous variant.
Genome position (GRCh38, 1-based): chr14:50,182,559, A>T on the plus strand (T>A on the coding strand, the complement: SOS2 is on the minus strand). VCF-style: chr14-50182559-A-T. GRCh37 (hg19) VCF-style: chr14-50649277-A-T.
Other names: c.762T>A, p.Thr254= (NM_001411020.1).
Identifiers: ClinVar variation 2853886 (VCV002853886.3), dbSNP rs2503104866, ClinGen allele CA486170882.

ClinVar aggregate classification (germline): Uncertain significance (1 of 4 stars; one submission).

Conditions:
Noonan syndrome 9 (NS9). Identifiers: Orphanet 648, MedGen C4225282, MONDO:0014691, OMIM 616559.

Submission:

Labcorp Genetics (formerly Invitae), Labcorp
Classification: Uncertain significance for Noonan syndrome 9. Last evaluated: 2023-04-15. Review status: criteria provided, single submitter. Criteria: Invitae Variant Classification Sherloc (09022015). Collection method: clinical testing. Allele origin: germline.
Comment: In summary, the available evidence is currently insufficient to determine the role of this variant in disease. Therefore, it has been classified as a Variant of Uncertain Significance. Algorithms developed to predict the effect of sequence changes on RNA splicing suggest that this variant may disrupt the consensus splice site. This variant has not been reported in the literature in individuals affected with SOS2-related conditions. This variant is not present in population databases (gnomAD no frequency). This sequence change affects codon 254 of the SOS2 mRNA. It is a 'silent' change, meaning that it does not change the encoded amino acid sequence of the SOS2 protein.